The following is an entry in ClinVar:

ClinVar aggregate classification (germline): Uncertain significance (1 of 4 stars; one submission).

Allele frequency attached by ClinVar (database versions not stated): TOPMed below 0.00001.

Submission:

Labcorp Genetics (formerly Invitae), Labcorp
Classification: Uncertain significance. Last evaluated: 2022-08-10. Review status: criteria provided, single submitter. Criteria: Invitae Variant Classification Sherloc (09022015). Collection method: clinical testing. Allele origin: germline.
Comment: This sequence change replaces serine, which is neutral and polar, with proline, which is neutral and non-polar, at codon 157 of the GRM6 protein (p.Ser157Pro). In summary, the available evidence is currently insufficient to determine the role of this variant in disease. Therefore, it has been classified as a Variant of Uncertain Significance. Advanced modeling of protein sequence and biophysical properties (such as structural, functional, and spatial information, amino acid conservation, physicochemical variation, residue mobility, and thermodynamic stability) performed at Invitae indicates that this missense variant is expected to disrupt GRM6 protein function. ClinVar contains an entry for this variant (Variation ID: 1379495). This variant has not been reported in the literature in individuals affected with GRM6-related conditions. This variant is not present in population databases (gnomAD no frequency).

NM_000843.4(GRM6):c.469T>C (p.Ser157Pro)

Gene: GRM6 (glutamate metabotropic receptor 6; minus strand). Cytogenetic location: 5q35.3.
Variant type: single nucleotide variant.
Coding change: c.469T>C on transcript NM_000843.4 (MANE Select); coding-DNA position 469, T replaced by C.
Protein change: p.Ser157Pro; replaces serine 157 with proline.
Molecular consequence: missense variant.
Genome position (GRCh38, 1-based): chr5:178,994,476, A>G on the plus strand (T>C on the coding strand, the complement: GRM6 is on the minus strand). VCF-style: chr5-178994476-A-G. GRCh37 (hg19) VCF-style: chr5-178421477-A-G.
Other names: short protein forms S157P.
Identifiers: ClinVar variation 1379495 (VCV001379495.8), dbSNP rs1760736312, ClinGen allele CA362435654.
Genomic context (GRCh38, chr5:178,994,476, plus strand): 5'-CCGAGCCCGGCCCCGCGGCCCTCACCGCAAACAGGCGCAGCACGTTGGCGACCATGATGG[A>G]GACGGAGCTGGCCGAGGCGCCCACGACGGCCACGACGCGCTCGGGGGGCGCGGGGCGCAG-3'
Protein context (NP_000834.2, residues 147-167): AVVGASASSV[Ser157Pro]IMVANVLRLF